The following is an entry in ClinVar:

ClinVar aggregate classification (germline): Uncertain significance. Review status: criteria provided, multiple submitters, no conflicts (2 of 4 stars). 5 submissions from 5 submitters: Uncertain significance (5). Last evaluated 2025-09-15.

Conditions:
Cardiovascular phenotype. Identifiers: MedGen CN230736.
Catecholaminergic polymorphic ventricular tachycardia 1. Also called: RYR2-Related Catecholaminergic Polymorphic Ventricular Tachycardia; VENTRICULAR TACHYCARDIA, CATECHOLAMINERGIC POLYMORPHIC, 1, WITH OR WITHOUT ATRIAL DYSFUNCTION AND/OR DILATED CARDIOMYOPATHY; VENTRICULAR TACHYCARDIA, STRESS-INDUCED POLYMORPHIC 1. Identifiers: Orphanet 3286, MedGen C1631597, MONDO:0011484, OMIM 604772.
Catecholaminergic polymorphic ventricular tachycardia (CVPT). Also called: Catecholamine-induced polymorphic ventricular tachycardia. Identifiers: Orphanet 3286, MedGen C5574922, MONDO:0017990.
Cardiomyopathy (CMYO). Also called: Cardiomyopathies. Identifiers: Orphanet 167848, MedGen C0878544, MONDO:0004994, HP:0001638. Inheritance: Various modes of inheritance.

Allele frequency attached by ClinVar (database versions not stated): gnomAD exomes 0.00001; TOPMed 0.00001.
gnomAD v4.1: 6 of 1,611,574 alleles (0.00037%); highest among the groups gnomAD compares: Non-Finnish European, 0.00051%; no homozygotes.

Submissions (5):

Color Diagnostics, LLC DBA Color Health
Classification: Uncertain significance for Cardiomyopathy. Last evaluated: 2025-09-15. Review status: criteria provided, single submitter. Criteria: ACMG Guidelines, 2015. Collection method: clinical testing. Allele origin: germline.
Comment: This missense variant replaces threonine with isoleucine at codon 3360 of the RYR2 protein. Computational prediction is inconclusive regarding the impact of this variant on protein structure and function. To our knowledge, functional studies have not been reported for this variant. This variant has not been reported in individuals affected with RYR2-related disorders in the literature. This variant has been identified in 2/248562 chromosomes in the general population by the Genome Aggregation Database (gnomAD). The available evidence is insufficient to determine the role of this variant in disease conclusively. Therefore, this variant is classified as a Variant of Uncertain Significance.

GeneDx
Classification: Uncertain significance. Last evaluated: 2025-06-20. Review status: criteria provided, single submitter. Criteria: GeneDx Variant Classification Process June 2021. Collection method: clinical testing. Allele origin: germline. Affected: yes.
Comment: Not observed at significant frequency in large population cohorts (gnomAD); In silico analysis supports that this missense variant has a deleterious effect on protein structure/function; Has not been previously published as pathogenic or benign to our knowledge; Not located in one of the three hot-spot regions of the RYR2 gene, where the majority of pathogenic missense variants occur (PMID: 19926015); This variant is associated with the following publications: (PMID: 19926015)

Molecular Diagnostic Laboratory for Inherited Cardiovascular Disease, Montreal Heart Institute
Classification: Uncertain significance for Cardiovascular phenotype. Last evaluated: 2025-04-09. Review status: criteria provided, single submitter. Criteria: ACMG Guidelines, 2015. Collection method: clinical testing. Allele origin: germline. Affected: yes.
Comment: PM2, PP2, PP3

All of Us Research Program, National Institutes of Health
Classification: Uncertain significance for Catecholaminergic polymorphic ventricular tachycardia. Last evaluated: 2024-08-06. Review status: criteria provided, single submitter. Criteria: ACMG Guidelines, 2015. Collection method: clinical testing. Allele origin: germline. Inheritance: Autosomal dominant inheritance. Observed: 1 variant allele, 1 heterozygote.
Comment: This study involves interpretation of variants in research participants for the purpose of population health screening. Participant phenotype was not available at the time of variant classification. Additional details can be found in publication PMID: 35346344, PMCID: PMC8962531

Labcorp Genetics (formerly Invitae), Labcorp
Classification: Uncertain significance for Catecholaminergic polymorphic ventricular tachycardia 1. Last evaluated: 2023-12-03. Review status: criteria provided, single submitter. Criteria: Invitae Variant Classification Sherloc (09022015). Collection method: clinical testing. Allele origin: germline.
Comment: This sequence change replaces threonine, which is neutral and polar, with isoleucine, which is neutral and non-polar, at codon 3360 of the RYR2 protein (p.Thr3360Ile). This variant is present in population databases (no rsID available, gnomAD 0.0009%). This variant has not been reported in the literature in individuals affected with RYR2-related conditions. ClinVar contains an entry for this variant (Variation ID: 936960). Advanced modeling of protein sequence and biophysical properties (such as structural, functional, and spatial information, amino acid conservation, physicochemical variation, residue mobility, and thermodynamic stability) performed at Invitae indicates that this missense variant is not expected to disrupt RYR2 protein function with a negative predictive value of 95%. In summary, the available evidence is currently insufficient to determine the role of this variant in disease. Therefore, it has been classified as a Variant of Uncertain Significance.

NM_001035.3(RYR2):c.10079C>T (p.Thr3360Ile)

Gene: RYR2 (ryanodine receptor 2; plus strand). Cytogenetic location: 1q43.
Variant type: single nucleotide variant.
Coding change: c.10079C>T on transcript NM_001035.3 (MANE Select); coding-DNA position 10079, C replaced by T.
Protein change: p.Thr3360Ile; replaces threonine 3360 with isoleucine.
Molecular consequence: missense variant.
Genome position (GRCh38, 1-based): chr1:237,709,035, C>T. VCF-style: chr1-237709035-C-T. GRCh37 (hg19) VCF-style: chr1-237872335-C-T.
Other names: short protein forms T3360I.
Identifiers: ClinVar variation 936960 (VCV000936960.14), dbSNP rs924056885, ClinGen allele CA39793623.